The following is an entry in ClinVar:

NM_000702.4(ATP1A2):c.623G>T (p.Gly208Val)

Genes: ATP1A2 (ATPase Na+/K+ transporting subunit alpha 2; plus strand), LOC126805890 (CDK7 strongly-dependent group 2 enhancer GRCh37_chr1:160093987-160095186; plus strand). Cytogenetic location: 1q23.2.
Variant type: single nucleotide variant.
Coding change: c.623G>T on transcript NM_000702.4 (MANE Select); coding-DNA position 623, G replaced by T.
Protein change: p.Gly208Val; replaces glycine 208 with valine.
Molecular consequence: missense variant.
Genome position (GRCh38, 1-based): chr1:160,124,423, G>T. VCF-style: chr1-160124423-G-T. GRCh37 (hg19) VCF-style: chr1-160094213-G-T.
Other names: short protein forms G208V.
Identifiers: ClinVar variation 4990116 (VCV004990116.1).

ClinVar aggregate classification (germline): Uncertain significance (1 of 4 stars; one submission).

Conditions:
ATP1A2-related disorder. Also called: ATP1A2-related condition; ATP1A2-RELATED DISORDERS.

gnomAD v4.1: 4 of 1,607,390 alleles (0.00025%); highest among the groups gnomAD compares: Non-Finnish European, 0.00034%; no homozygotes.

Submission:

PreventionGenetics, part of Exact Sciences
Classification: Uncertain significance for ATP1A2-related condition. Last evaluated: 2026-09-03. Review status: criteria provided, single submitter. Criteria: ACMG Guidelines, 2015. Collection method: clinical testing. Allele origin: germline.
Comment: The ATP1A2 c.623G>T variant is predicted to result in the amino acid substitution p.Gly208Val. To our knowledge, this variant has not been reported in the literature or in a large population database (gnomAD), indicating this variant is rare. At this time, the clinical significance of this variant is uncertain due to the absence of conclusive functional and genetic evidence.